The following is an entry in ClinVar:

NM_001164508.2(NEB):c.13257del (p.Ser4420fs)

Gene: NEB (nebulin; minus strand). Cytogenetic location: 2q23.3.
Variant type: Deletion.
Coding change: c.13257del on transcript NM_001164508.2 (MANE Select); coding-DNA position 13257, one base deleted (C; older notation c.13257delC).
Protein change: p.Ser4420fs; shifts the reading frame from serine 4420.
Molecular consequence: frameshift variant. On other transcripts: intron variant (1).
Genome position (GRCh38, 1-based): chr2:151,603,575, G deleted on the plus strand (C on the coding strand, the reverse complement: NEB is on the minus strand). VCF-style (leftmost placement, unchanged base first): chr2-151603574-TG-T. GRCh37 (hg19) VCF-style: chr2-152460088-TG-T.
Other names: c.13257del, p.Ser4420fs (NM_001164507.2, NM_001271208.2); c.11601+6234del (NM_004543.5); short protein forms S4420fs.
Identifiers: ClinVar variation 4736040 (VCV004736040.1).
Genomic context (GRCh38, chr2:151,603,574, plus strand): 5'-CTTCTGGATTCAGATTTCTTCCATTTGTCTGAAAACATCATCCACCTGGACTTACCTCAC[TG>T]ATCTGTACAGCATTGATCTTTGCCTGGATTACTTCCGGGGTGTCAACAATGCTGGTGAAT-3'

ClinVar aggregate classification (germline): Pathogenic (1 of 4 stars; one submission).

Conditions:
Nemaline myopathy 2 (NEM2). Also called: Nemaline myopathy 2, autosomal recessive. Identifiers: MedGen C1850569, MONDO:0009725, OMIM 256030.

Submission:

Labcorp Genetics (formerly Invitae), Labcorp
Classification: Pathogenic for Nemaline myopathy 2. Last evaluated: 2026-01-24. Review status: criteria provided, single submitter. Criteria: Invitae Variant Classification Sherloc (09022015). Collection method: clinical testing. Allele origin: germline.
Comment: This variant occurs in a region of NEB (Exons 82-105) consisting of three highly homologous 8-exon repeat units (exons 82-89, exons 90-97, exons 98-105). Sequence variants in this region can be detected, but this assay cannot determine which of the three repeat units is affected, and zygosity is often ambiguous. All variants in this region are reported relative to the exon 82-89 repeat. This sequence change creates a premature translational stop signal (p.Ser4420Valfs*16) in the NEB gene. It is expected to result in an absent or disrupted protein product. Loss-of-function variants in NEB are known to be pathogenic (PMID: 25205138). The frequency data for this variant in the population databases (gnomAD) is considered unreliable due to the presence of homologous sequence, such as pseudogenes or paralogs, in the genome. This variant has not been reported in the literature in individuals affected with NEB-related conditions. For these reasons, this variant has been classified as Pathogenic.

Literature cited by the submitters: PubMed 25205138.